The following is an entry in ClinVar:

NM_005359.6(SMAD4):c.454+8A>G

Gene: SMAD4 (SMAD family member 4; plus strand). Cytogenetic location: 18q21.2.
Variant type: single nucleotide variant.
Coding change: c.454+8A>G on transcript NM_005359.6 (MANE Select); 8 bases into the intron after coding-DNA position 454, A replaced by G.
Molecular consequence: intron variant.
Genome position (GRCh38, 1-based): chr18:51,049,332, A>G. VCF-style: chr18-51049332-A-G. GRCh37 (hg19) VCF-style: chr18-48575702-A-G.
Other names: c.454+8A>G (NM_001407042.1, NM_001407041.1, NM_001407043.1).
Identifiers: ClinVar variation 3903795 (VCV003903795.1).

ClinVar aggregate classification (germline): Likely benign (1 of 4 stars; one submission).

Conditions:
Juvenile polyposis/hereditary hemorrhagic telangiectasia syndrome (JPHT). Also called: JP/HHT SYNDROME; JUVENILE POLYPOSIS WITH HEREDITARY HEMORRHAGIC TELANGIECTASIA; POLYPOSIS, GENERALIZED JUVENILE, WITH PULMONARY ARTERIOVENOUS MALFORMATION; TELANGIECTASIA, HEREDITARY HEMORRHAGIC, WITH JUVENILE POLYPOSIS COLI; Juvenile Polyposis Syndrome / Hereditary Hemorrhagic Telangiectasia (JPS/HHT). Identifiers: Orphanet 2929, MedGen C1832942, MONDO:0008278, OMIM 175050.

gnomAD v4.1: 3 of 1,596,372 alleles (0.00019%); highest among the groups gnomAD compares: South Asian, 0.0022%; no homozygotes.

Submission:

Myriad Genetics, Inc.
Classification: Likely benign for Juvenile polyposis/hereditary hemorrhagic telangiectasia syndrome. Last evaluated: 2025-03-19. Review status: criteria provided, single submitter. Criteria: Myriad Autosomal Dominant, Autosomal Recessive and X-Linked Classification Criteria (2023). Collection method: clinical testing. Allele origin: unknown.
Comment: This variant is considered likely benign. This variant is intronic and is not expected to impact mRNA splicing.